The following is an entry in ClinVar:

ClinVar aggregate classification (germline): Conflicting classifications of pathogenicity. Review status: criteria provided, conflicting classifications (1 of 4 stars). 5 submissions from 4 submitters: Uncertain significance (2); Benign (1); Likely benign (2). Last evaluated 2026-02-02.

Conditions:
Senior-Loken syndrome 7 (SLSN7). Identifiers: Orphanet 3156, MedGen C3150877, MONDO:0013326, OMIM 613615.
Bardet-Biedl syndrome 16 (BBS16). Identifiers: Orphanet 110, MedGen C3889474, MONDO:0014444, OMIM 615993.

Allele frequency attached by ClinVar (database versions not stated): 1000 Genomes Project 30x 0.00031; 1000 Genomes Project 0.00040; gnomAD 0.00050 and 0.00051; gnomAD exomes 0.00058 and 0.00074; ESP Exome Variant Server 0.00062; TOPMed 0.00064; ExAC 0.00083.
gnomAD v4.1: 933 of 1,610,412 alleles (0.058%); highest among the groups gnomAD compares: Middle Eastern, 0.27%; 3 homozygotes.

Submissions (5):

Labcorp Genetics (formerly Invitae), Labcorp
Classification: Benign for Bardet-Biedl syndrome 16; Senior-Loken syndrome 7. Last evaluated: 2026-02-02. Review status: criteria provided, single submitter. Criteria: Invitae Variant Classification Sherloc (09022015). Collection method: clinical testing. Allele origin: germline.

CeGaT Center for Human Genetics Tuebingen
Classification: Likely benign. Last evaluated: 2025-11-01. Review status: criteria provided, single submitter. Criteria: CeGaT Center For Human Genetics Tuebingen Variant Classification Criteria Version 2. Collection method: clinical testing. Allele origin: germline. Affected: yes. Observed: 1 variant allele.
Comment: SDCCAG8: BP4, BP7

Blueprint Genetics
Classification: Likely benign. Last evaluated: 2024-10-29. Review status: criteria provided, single submitter. Criteria: ACMG Guidelines, 2015. Collection method: clinical testing. Allele origin: germline.

Illumina Laboratory Services, Illumina
Classification: Uncertain significance for Bardet-Biedl syndrome 16. Last evaluated: 2018-01-12. Review status: criteria provided, single submitter. Criteria: ICSL Variant Classification Criteria 13 December 2019. Collection method: clinical testing. Allele origin: germline.

Illumina Laboratory Services, Illumina
Classification: Uncertain significance for Senior-Loken syndrome 7. Last evaluated: 2018-01-12. Review status: criteria provided, single submitter. Criteria: ICSL Variant Classification Criteria 13 December 2019. Collection method: clinical testing. Allele origin: germline.

NM_006642.5(SDCCAG8):c.348C>T (p.His116=)

Gene: SDCCAG8 (SHH signaling and ciliogenesis regulator SDCCAG8; plus strand). Cytogenetic location: 1q43.
Variant type: single nucleotide variant.
Coding change: c.348C>T on transcript NM_006642.5 (MANE Select); coding-DNA position 348, C replaced by T.
Protein change: p.His116=; no amino-acid change (histidine 116 retained).
Molecular consequence: synonymous variant. On other transcripts: 5 prime UTR variant (3).
Genome position (GRCh38, 1-based): chr1:243,274,584, C>T. VCF-style: chr1-243274584-C-T. GRCh37 (hg19) VCF-style: chr1-243437886-C-T.
Other names: c.-765C>T (NM_001350246.2); c.-653C>T (NM_001350247.2); c.348C>T, p.His116= (NM_001350248.2); c.54C>T, p.His18= (NM_001350249.2); c.-1026C>T (NM_001350251.2).
Identifiers: ClinVar variation 296907 (VCV000296907.21), dbSNP rs143226730, ClinGen allele CA1483285.